The following is an entry in ClinVar:

NM_002439.5(MSH3):c.2436-3T>C

Gene: MSH3 (mutS homolog 3; plus strand). Cytogenetic location: 5q14.1.
Variant type: single nucleotide variant.
Coding change: c.2436-3T>C on transcript NM_002439.5 (MANE Select); 3 bases into the intron before coding-DNA position 2436, T replaced by C.
Molecular consequence: intron variant.
Genome position (GRCh38, 1-based): chr5:80,787,562, T>C. VCF-style: chr5-80787562-T-C. GRCh37 (hg19) VCF-style: chr5-80083381-T-C.
Identifiers: ClinVar variation 642662 (VCV000642662.17), dbSNP rs374901174, ClinGen allele CA3328259.

ClinVar aggregate classification (germline): Conflicting classifications of pathogenicity. Review status: criteria provided, conflicting classifications (1 of 4 stars). 3 submissions from 3 submitters: Uncertain significance (1); Likely benign (2). Last evaluated 2025-06-29.

Conditions:
Hereditary cancer-predisposing syndrome. Also called: Neoplastic Syndromes, Hereditary; Tumor predisposition; Hereditary neoplastic syndrome; Hereditary Cancer Syndrome. Identifiers: Orphanet 140162, MedGen C0027672, MeSH D009386, MONDO:0015356.

Allele frequency attached by ClinVar (database versions not stated): TOPMed below 0.00001; gnomAD exomes 0.00001; ExAC 0.00003; ESP Exome Variant Server 0.00008.
gnomAD v4.1: 9 of 1,608,432 alleles (0.00056%); highest among the groups gnomAD compares: Non-Finnish European, 0.00068%; no homozygotes.

Submissions (3):

Labcorp Genetics (formerly Invitae), Labcorp
Classification: Likely benign. Last evaluated: 2025-06-29. Review status: criteria provided, single submitter. Criteria: Invitae Variant Classification Sherloc (09022015). Collection method: clinical testing. Allele origin: germline.

Ambry Genetics
Classification: Uncertain significance for Hereditary cancer-predisposing syndrome. Last evaluated: 2025-06-26. Review status: criteria provided, single submitter. Criteria: Ambry Variant Classification Scheme 2023. Collection method: clinical testing. Allele origin: germline.
Comment: The c.2436-3T>C intronic variant results from a T to C substitution 3 nucleotides before coding exon 18 in the MSH3 gene. This nucleotide position is not well conserved in available vertebrate species. In silico splice site analysis predicts that this alteration will not have any significant effect on splicing. Since supporting evidence is limited at this time, the clinical significance of this alteration remains unclear.

Center for Genomic Medicine, Rigshospitalet, Copenhagen University Hospital
Classification: Likely benign. Last evaluated: 2025-03-04. Review status: criteria provided, single submitter. Criteria: ACMG Guidelines, 2015. Collection method: clinical testing. Allele origin: germline.